The following is an entry in ClinVar:

NM_031483.7(ITCH):c.1357C>T (p.Pro453Ser)

Gene: ITCH (itchy E3 ubiquitin protein ligase; plus strand). Cytogenetic location: 20q11.22.
Variant type: single nucleotide variant.
Coding change: c.1357C>T on transcript NM_031483.7 (MANE Select); coding-DNA position 1357, C replaced by T.
Protein change: p.Pro453Ser; replaces proline 453 with serine.
Molecular consequence: missense variant.
Genome position (GRCh38, 1-based): chr20:34,462,154, C>T. VCF-style: chr20-34462154-C-T. GRCh37 (hg19) VCF-style: chr20-33049959-C-T.
Other names: c.1480C>T, p.Pro494Ser (NM_001257137.3, NM_001324197.2); c.1027C>T, p.Pro343Ser (NM_001257138.3); c.1357C>T, p.Pro453Ser (NM_001324198.2); short protein forms P453S, P343S, P494S.
Identifiers: ClinVar variation 1476508 (VCV001476508.8), dbSNP rs2146375509, ClinGen allele CA408666453.

ClinVar aggregate classification (germline): Uncertain significance (1 of 4 stars; one submission).

Conditions:
Syndromic multisystem autoimmune disease due to ITCH deficiency. Also called: AUTOIMMUNE DISEASE, MULTISYSTEM, WITH FACIAL DYSMORPHISM. Identifiers: Orphanet 228426, MedGen C3150649, MONDO:0013245, OMIM 613385.

Submission:

Labcorp Genetics (formerly Invitae), Labcorp
Classification: Uncertain significance for Syndromic multisystem autoimmune disease due to ITCH deficiency. Last evaluated: 2022-08-09. Review status: criteria provided, single submitter. Criteria: Invitae Variant Classification Sherloc (09022015). Collection method: clinical testing. Allele origin: germline.
Comment: In summary, the available evidence is currently insufficient to determine the role of this variant in disease. Therefore, it has been classified as a Variant of Uncertain Significance. Algorithms developed to predict the effect of missense changes on protein structure and function output the following: SIFT: "Not Available"; PolyPhen-2: "Possibly Damaging"; Align-GVGD: "Not Available". The serine amino acid residue is found in multiple mammalian species, which suggests that this missense change does not adversely affect protein function. ClinVar contains an entry for this variant (Variation ID: 1476508). This variant has not been reported in the literature in individuals affected with ITCH-related conditions. This variant is not present in population databases (gnomAD no frequency). This sequence change replaces proline, which is neutral and non-polar, with serine, which is neutral and polar, at codon 453 of the ITCH protein (p.Pro453Ser).